The following is an entry in ClinVar:

ClinVar aggregate classification (germline): Uncertain significance (1 of 4 stars; one submission).

Conditions:
Reticular dysgenesis. Also called: ALEUKOCYTOSIS; CONGENITAL ALEUKIA; HEMATOPOIETIC HYPOPLASIA, GENERALIZED; RETICULAR DYSGENESIA; SEVERE COMBINED IMMUNODEFICIENCY WITH LEUKOPENIA; DeVaal disease. Identifiers: Orphanet 33355, MedGen C0272167, MONDO:0009973, OMIM 267500.

Allele frequency attached by ClinVar (database versions not stated): gnomAD exomes 0.00001 and 0.00004; TOPMed 0.00002; ExAC 0.00008.
gnomAD v4.1: 10 of 1,599,652 alleles (0.00063%); highest among the groups gnomAD compares: Admixed American, 0.012%; no homozygotes.

Submission:

Labcorp Genetics (formerly Invitae), Labcorp
Classification: Uncertain significance for Reticular dysgenesis. Last evaluated: 2023-12-21. Review status: criteria provided, single submitter. Criteria: Invitae Variant Classification Sherloc (09022015). Collection method: clinical testing. Allele origin: germline.
Comment: This sequence change replaces valine, which is neutral and non-polar, with methionine, which is neutral and non-polar, at codon 19 of the AK2 protein (p.Val19Met). The frequency data for this variant in the population databases is considered unreliable, as metrics indicate poor data quality at this position in the gnomAD database. This variant has not been reported in the literature in individuals affected with AK2-related conditions. ClinVar contains an entry for this variant (Variation ID: 651057). An algorithm developed to predict the effect of missense changes on protein structure and function (PolyPhen-2) suggests that this variant is likely to be tolerated. In summary, the available evidence is currently insufficient to determine the role of this variant in disease. Therefore, it has been classified as a Variant of Uncertain Significance.

NM_001625.4(AK2):c.55G>A (p.Val19Met)

Genes: AK2 (adenylate kinase 2; minus strand), LOC129930068 (ATAC-STARR-seq lymphoblastoid active region 705; plus strand). Cytogenetic location: 1p35.1.
Variant type: single nucleotide variant.
Coding change: c.55G>A on transcript NM_001625.4 (MANE Select); coding-DNA position 55, G replaced by A.
Protein change: p.Val19Met; replaces valine 19 with methionine.
Molecular consequence: missense variant. On other transcripts: 5 prime UTR variant (2), non-coding transcript variant (1).
Genome position (GRCh38, 1-based): chr1:33,036,774, C>T on the plus strand (G>A on the coding strand, the complement: AK2 is on the minus strand). VCF-style: chr1-33036774-C-T. GRCh37 (hg19) VCF-style: chr1-33502375-C-T.
Other names: c.55G>A, p.Val19Met (NM_001199199.3, NM_001319141.3, NM_001319142.3 and 2 more transcripts); c.-208G>A (NM_001319139.3, NM_001319140.2); short protein forms V19M.
Identifiers: ClinVar variation 651057 (VCV000651057.7), dbSNP rs761910421, ClinGen allele CA747276.
Genomic context (GRCh38, chr1:33,036,774, plus strand): 5'-CAAGCCCAGTCCTGCCGCTCACCTGGGTCCCTTTACCGGCCCCGGGAGGCCCCAGCAGCA[C>T]GGCCCGGATGCCTTTAGGATACTCGGGTTCTGCCGCTGGCACGCTGGGAGCCATGTCCGC-3'
Protein context (NP_001616.1, residues 9-29): EPEYPKGIRA[Val19Met]LLGPPGAGKG